The following is an entry in ClinVar:

ClinVar aggregate classification (germline): Uncertain significance (0 of 4 stars; one submission).

Allele frequency attached by ClinVar (database versions not stated): gnomAD exomes below 0.00001; ExAC 0.00001; gnomAD 0.00002.
gnomAD v4.1: 6 of 1,609,906 alleles (0.00037%); highest among the groups gnomAD compares: African/African-American, 0.008%; no homozygotes.

Submission:

Department of Pathology and Laboratory Medicine, Sinai Health System
Classification: Uncertain significance. Review status: no assertion criteria provided. Collection method: clinical testing. Allele origin: unknown. Affected: yes. Study: The Canadian Open Genetics Repository (COGR).
Comment: The COL12A1 p.Asn1156Asn variant was not identified in the literature nor was it identified in ClinVar or LOVD 3.0. The variant was identified in dbSNP (ID: rs774082346) and in control databases in 1 of 247342 chromosomes at a frequency of 0.000004043 (Genome Aggregation Database March 6, 2019, v2.1.1). The variant was observed in the African population in 1 of 15352 chromosomes (freq: 0.000065), but was not observed in the Latino, Ashkenazi Jewish, East Asian, European (Finnish), European (non-Finnish), other, or South Asian populations. The p.Asn1156Asn variant is not expected to have clinical significance because it does not result in a change of amino acid and is not located in a known consensus splice site. However, three of four in silico or computational prediction software programs (SpliceSiteFinder, MaxEntScan, NNSPLICE, GeneSplicer) predict a greater than 10% difference in splicing. However, this has not been confirmed by RNA analysis and is not predictive enough to assume pathogenicity. In summary, based on the above information the clinical significance of this variant cannot be determined with certainty at this time. This variant is classified as a variant of uncertain significance.

NM_004370.6(COL12A1):c.3468T>C (p.Asn1156=)

Gene: COL12A1 (collagen type XII alpha 1 chain; minus strand). Cytogenetic location: 6q13.
Variant type: single nucleotide variant.
Coding change: c.3468T>C on transcript NM_004370.6 (MANE Select); coding-DNA position 3468, T replaced by C.
Protein change: p.Asn1156=; no amino-acid change (asparagine 1156 retained).
Molecular consequence: synonymous variant. On other transcripts: intron variant (1).
Genome position (GRCh38, 1-based): chr6:75,154,513, A>G on the plus strand (T>C on the coding strand, the complement: COL12A1 is on the minus strand). VCF-style: chr6-75154513-A-G. GRCh37 (hg19) VCF-style: chr6-75864229-A-G.
Other names: c.74-2031T>C (NM_080645.3).
Identifiers: ClinVar variation 1049656 (VCV001049656.1), dbSNP rs774082346, ClinGen allele CA3893704.
Genomic context (GRCh38, chr6:75,154,513, plus strand): 5'-GGTTGTCATTTCTTGTCCAACAAGTGGTGAGCTTTCTCCTCCATCAAACATTCCAAAAAC[A>G]TTTACTTTATAGGTGGTACCAGCCCTAAAATGTTAAAGTATATATATAGCCTGTGAGAAC-3'
Protein context (NP_004361.3, residues 1146-1166): ELRAGTTYKV[Asn1156=]VFGMFDGGES